The following is an entry in ClinVar:

NM_000051.4(ATM):c.6056A>G (p.Tyr2019Cys)

Genes: ATM (ATM serine/threonine kinase; plus strand), C11orf65 (chromosome 11 open reading frame 65; minus strand). Cytogenetic location: 11q22.3.
Variant type: single nucleotide variant.
Coding change: c.6056A>G on transcript NM_000051.4 (MANE Select); coding-DNA position 6056, A replaced by G.
Protein change: p.Tyr2019Cys; replaces tyrosine 2019 with cysteine.
Molecular consequence: missense variant. On other transcripts: intron variant (2).
Genome position (GRCh38, 1-based): chr11:108,315,872, A>G. VCF-style: chr11-108315872-A-G. GRCh37 (hg19) VCF-style: chr11-108186599-A-G.
Other names: NM_000051.4(ATM):c.6056A>G; p.Tyr2019Cys; c.6056A>G, p.Tyr2019Cys (NM_001351834.2); c.641-6801T>C (NM_001330368.2); c.*39-6801T>C (NM_001351110.2); short protein forms Y2019C.
Identifiers: ClinVar variation 230152 (VCV000230152.24), dbSNP rs876658415, ClinGen allele CA10579205.

ClinVar aggregate classification (germline): Uncertain significance. Review status: reviewed by expert panel (3 of 4 stars). 7 submissions from 7 submitters: Uncertain significance (1). 6 of the submissions do not count toward it. Last evaluated 2025-11-11.
ClinVar aggregate classification (oncogenicity): Likely oncogenic (1 of 4 stars; one submission).

Conditions:
Hereditary cancer-predisposing syndrome. Also called: Neoplastic Syndromes, Hereditary; Hereditary neoplastic syndrome; Tumor predisposition; Hereditary Cancer Syndrome. Identifiers: Orphanet 140162, MedGen C0027672, MeSH D009386, MONDO:0015356.
ATM-related cancer predisposition. Also called: ATM-related cancer susceptibility. Identifiers: MedGen CN377759, MONDO:0700270.
Familial cancer of breast. Also called: hereditary breast carcinoma; Hereditary breast cancer; BREAST CANCER, FAMILIAL. Identifiers: Orphanet 227535, MedGen C0346153, MONDO:0016419, OMIM 114480. Disease mechanism: loss of function.
Ataxia-telangiectasia syndrome (AT). Also called: Ataxia telangiectasia (A-T); Cerebello-oculocutaneous telangiectasia; Immunodeficiency with ataxia telangiectasia; LOUIS-BAR SYNDROME; AT, COMPLEMENTATION GROUP C; ATAXIA-TELANGIECTASIA, FRESNO VARIANT. Identifiers: Orphanet 100, MedGen C0004135, MONDO:0008840, OMIM 208900.
Neoplasm. Also called: Neoplasms; Neoplasm (disease); tumor. Identifiers: MedGen C0027651, MeSH D009369, MONDO:0005070, HP:0002664.

Allele frequency attached by ClinVar (database versions not stated): gnomAD 0.00001; gnomAD exomes below 0.00001; TOPMed 0.00001.
gnomAD v4.1: 4 of 1,613,244 alleles (0.00025%); highest among the groups gnomAD compares: East Asian, 0.0022%; no homozygotes.

Submissions (8):

ClinGen Hereditary Breast, Ovarian and Pancreatic Cancer Variant Curation Expert Panel, ClinGen
Classification: Uncertain significance for ATM-related cancer predisposition. Last evaluated: 2025-11-11. Review status: reviewed by expert panel. Criteria: ClinGen HBOP ACMG Specifications ATM V1.4.0. Collection method: curation. Allele origin: germline. Inheritance: Autosomal dominant inheritance.
Comment: The c.6056A>G variant in ATM is a missense variant predicted to cause substitution of tyrosine by cysteine at amino acid 2019 (p.Tyr2019Cys). This variant has been detected in at least one individual with Ataxia-Telangiectasia (PMID: 22649200, 2689618, 30549301). This individual was compound heterozygous for the variant and a variant of uncertain significance. The highest population minor allele frequency in gnomAD v4.1.0 is 0.00002228 (1/44884 alleles) in East Asian population; while this is higher than the HBOP VCEP threshold (≤0.00001) for PM2_Supporting, it is present in only one allele, meeting this criterion. ATM kinase activity assay in ATM-null lymphoblastoid cell line showed absence of ATM kinase activity on its downstream targets indicating that this variant impacts protein function (PMID:19431188). The computational predictor REVEL gives a score of 0.702, which is neither above nor below the thresholds predicting a damaging or benign impact on ATM function. In summary, this variant meets the criteria to be classified as a variant of uncertain significance for autosomal dominant ATM-related cancer predisposition and autosomal recessive Ataxia-Telangiectasia based on the ACMG/AMP criteria applied as specified by the HBOP VCEP. (PM3_Supporting, PS3_Supporting, PM2_Supporting)

Labcorp Genetics (formerly Invitae), Labcorp
Classification: Uncertain significance for Ataxia-telangiectasia syndrome. Last evaluated: 2025-11-18. Review status: criteria provided, single submitter. Criteria: Invitae Variant Classification Sherloc (09022015). Collection method: clinical testing. Allele origin: germline. Not counted in ClinVar's aggregate classification.
Comment: This sequence change replaces tyrosine, which is neutral and polar, with cysteine, which is neutral and slightly polar, at codon 2019 of the ATM protein (p.Tyr2019Cys). This variant is not present in population databases (gnomAD no frequency). This missense change has been observed in individual(s) with ataxia-telangiectasia (PMID: 19431188, 22649200, 26896183, 30549301). ClinVar contains an entry for this variant (Variation ID: 230152). Invitae Evidence Modeling of protein sequence and biophysical properties (such as structural, functional, and spatial information, amino acid conservation, physicochemical variation, residue mobility, and thermodynamic stability) has been performed for this missense variant. However, the output from this modeling did not meet the statistical confidence thresholds required to predict the impact of this variant on ATM protein function. Experimental studies have shown that this missense change affects ATM function (PMID: 19431188). In summary, the available evidence is currently insufficient to determine the role of this variant in disease. Therefore, it has been classified as a Variant of Uncertain Significance.

Ambry Genetics
Classification: Likely pathogenic for Hereditary cancer-predisposing syndrome. Last evaluated: 2025-11-06. Review status: criteria provided, single submitter. Criteria: Ambry Variant Classification Scheme 2023. Collection method: clinical testing. Allele origin: germline. Not counted in ClinVar's aggregate classification.
Comment: The p.Y2019C variant (also known as c.6056A>G), located in coding exon 40 of the ATM gene, results from an A to G substitution at nucleotide position 6056. The tyrosine at codon 2019 is replaced by cysteine, an amino acid with highly dissimilar properties. Functional impact of these alterations was assessed via western blot and indicated 0% ATM protein expression (Carney EF et al, J. Immunol. 2012 Jul; 189(1):261-8). Another study assessed the stability and kinase activity of multiple ATM variants and found that this variant resulted in ATM expression but with no detectable downstream kinase activity (Barone G et al, Hum. Mutat. 2009 Aug; 30(8):1222-30). This variant was also identified in 1 of 13087 breast cancer cases and 0 of 5488 control individuals in the UK (Decker B et al. J Med Genet, 2017 Nov;54:732-741). This amino acid position is highly conserved in available vertebrate species. In addition, this alteration is predicted to be deleterious by in silico analysis. This variant is considered to be rare based on population cohorts in the Genome Aggregation Database (gnomAD). Based on the majority of available evidence to date, this variant is likely to be pathogenic.

Color Diagnostics, LLC DBA Color Health
Classification: Likely pathogenic for Hereditary cancer-predisposing syndrome. Last evaluated: 2025-08-18. Review status: criteria provided, single submitter. Criteria: ACMG Guidelines, 2015. Collection method: clinical testing. Allele origin: germline. Not counted in ClinVar's aggregate classification.
Comment: This missense variant replaces tyrosine with cysteine at codon 2019 of the ATM protein. Computational prediction suggests that this variant may have deleterious impact on protein structure and function. Functional studies have shown that this variant disrupts kinase activity (PMID: 19431188, 22649200). This variant has been observed in the compound heterozygous state in individuals affected with autosomal recessive ataxia-telangiectasia (PMID: 22649200, 30549301DOI: 10.17863/CAM.112012) as well as in an individual affected with pancreatic cancer (Noor et al, 2024). This variant has not been identified in the general population by the Genome Aggregation Database (gnomAD). Based on the available evidence, this variant is classified as Likely Pathogenic.

Center for Genomic Medicine, Rigshospitalet, Copenhagen University Hospital
Classification: Likely oncogenic for Neoplasm. Last evaluated: 2025-03-04. Review status: criteria provided, single submitter. Criteria: ClinGen/CGC/VICC Guidelines for Oncogenicity, 2022. Collection method: clinical testing. Allele origin: somatic. Affected: yes.

Department of Pathology and Laboratory Medicine, Sinai Health System
Classification: Uncertain significance for Familial cancer of breast. Last evaluated: 2024-01-11. Review status: criteria provided, single submitter. Criteria: ACMG Guidelines, 2015. Collection method: clinical testing. Allele origin: germline. Affected: yes. Not counted in ClinVar's aggregate classification.

GeneDx
Classification: Likely pathogenic. Last evaluated: 2023-12-21. Review status: criteria provided, single submitter. Criteria: GeneDx Variant Classification Process June 2021. Collection method: clinical testing. Allele origin: germline. Affected: yes. Not counted in ClinVar's aggregate classification.
Comment: Published in vitro assay showed this variant to result in loss of kinase activity against multiple downstream targets (PMID: 19431188); Observed in individual(s) with breast cancer (PMID: 28779002); In silico analysis supports that this missense variant has a deleterious effect on protein structure/function; Not observed at significant frequency in large population cohorts (gnomAD); This variant is associated with the following publications: (PMID: 27479817, 28188106, 22649200, 25480502, 26466571, 11382771, 35710297, 34771661, 37507074, 23532176, 36550207, 30549301, 26896183, 19431188, 28779002)

Women's Health and Genetics/Laboratory Corporation of America, LabCorp
Classification: Uncertain significance. Last evaluated: 2023-09-01. Review status: criteria provided, single submitter. Criteria: LabCorp Variant Classification Summary - May 2015. Collection method: clinical testing. Allele origin: germline. Not counted in ClinVar's aggregate classification.
Comment: Variant summary: ATM c.6056A>G (p.Tyr2019Cys) results in a non-conservative amino acid change located in the PIK-related kinase domain (IPR014009) of the encoded protein sequence. Four of five in-silico tools predict a damaging effect of the variant on protein function. The variant was absent in 251384 control chromosomes (gnomAD). c.6056A>G has been reported in the literature as a compound heterozygous genotype in at least one individual affected with Ataxia-Telangiectasia (Carney_2012). These data do not allow any conclusion about variant significance. In a functional study, the variant was expressed at normal levels and was able to autophosphorylate ATM serine 1981, but showed an absence of ATM kinase activity on its downstream targets (Barone_2009). The following publications have been ascertained in the context of this evaluation (PMID: 19431188, 22649200). Three submitters have cited clinical-significance assessments for this variant to ClinVar after 2014. Two submitters classified the variant as uncertain significance and one submitter classified it as likely pathogenic. Based on the evidence outlined above, the variant was classified as VUS-possibly pathogenic.

Literature cited by the submitters: PubMed 19431188 (cited by 6 submitters); PubMed 22649200 (cited by 5 submitters); PubMed 26896183 (cited by Labcorp Genetics (formerly Invitae), Labcorp and Ambry Genetics); PubMed 30549301 (cited by 3 submitters); PubMed 28779002 (cited by Ambry Genetics); PubMed 33471991 (cited by Department of Pathology and Laboratory Medicine, Sinai Health System).